The following is an entry in ClinVar:

ClinVar aggregate classification (germline): Uncertain significance (1 of 4 stars; one submission).

Conditions:
Brugada syndrome. Also called: Sudden unexpected nocturnal death syndrome; Sudden unexplained nocturnal death syndrome; Sudden Unexplained Death Syndrome; Sudden Unexplained Nocturnal Death Syndrome (SUNDS). Identifiers: Orphanet 130, MedGen C1142166, MONDO:0015263.

gnomAD v4.1: 1 of 1,598,034 alleles (0.000063%); highest among the groups gnomAD compares: Non-Finnish European, 0.000085%; no homozygotes.

Submission:

Labcorp Genetics (formerly Invitae), Labcorp
Classification: Uncertain significance for Brugada syndrome. Last evaluated: 2021-03-31. Review status: criteria provided, single submitter. Criteria: Invitae Variant Classification Sherloc (09022015). Collection method: clinical testing. Allele origin: germline.
Comment: Algorithms developed to predict the effect of missense changes on protein structure and function (SIFT, PolyPhen-2, Align-GVGD) all suggest that this variant is likely to be disruptive, but these predictions have not been confirmed by published functional studies and their clinical significance is uncertain. This variant has not been reported in the literature in individuals with SLMAP-related conditions. This variant is not present in population databases (ExAC no frequency). This sequence change replaces arginine with lysine at codon 259 of the SLMAP protein (p.Arg259Lys). The arginine residue is highly conserved and there is a small physicochemical difference between arginine and lysine. In summary, the available evidence is currently insufficient to determine the role of this variant in disease. Therefore, it has been classified as a Variant of Uncertain Significance.

NM_001377540.1(SLMAP):c.776G>A (p.Arg259Lys)

Gene: SLMAP (sarcolemma associated protein; plus strand). Cytogenetic location: 3p14.3.
Variant type: single nucleotide variant.
Coding change: c.776G>A on transcript NM_001377540.1 (MANE Select); coding-DNA position 776, G replaced by A.
Protein change: p.Arg259Lys; replaces arginine 259 with lysine.
Molecular consequence: missense variant. On other transcripts: non-coding transcript variant (1).
Genome position (GRCh38, 1-based): chr3:57,860,787, G>A. VCF-style: chr3-57860787-G-A. GRCh37 (hg19) VCF-style: chr3-57846514-G-A.
Other names: c.776G>A, p.Arg259Lys (NM_001304420.3, NM_001304421.2, NM_001377538.1 and 17 more transcripts); short protein forms R259K.
Identifiers: ClinVar variation 1502170 (VCV001502170.8), dbSNP rs2153599158, ClinGen allele CA353407662.